The following is an entry in ClinVar:

NM_000187.4(HGD):c.398del (p.Ile133fs)

Gene: HGD (homogentisate 1,2-dioxygenase; minus strand). Cytogenetic location: 3q13.33.
Variant type: Deletion.
Coding change: c.398del on transcript NM_000187.4 (MANE Select); coding-DNA position 398, one base deleted (T; older notation c.398delT).
Protein change: p.Ile133fs; shifts the reading frame from isoleucine 133.
Molecular consequence: frameshift variant.
Genome position (GRCh38, 1-based): chr3:120,650,810, A deleted on the plus strand (T on the coding strand, the reverse complement: HGD is on the minus strand). VCF-style (leftmost placement, unchanged base first): chr3-120650809-GA-G. GRCh37 (hg19) VCF-style: chr3-120369656-GA-G.
Other names: short protein forms I133fs.
Identifiers: ClinVar variation 2747200 (VCV002747200.3), dbSNP rs2472716456, ClinGen allele CA2697556799.
Genomic context (GRCh38, chr3:120,650,809, plus strand): 5'-CCTTCCCTAGAACTGAGCCACTTACCTGTTCTCCATGGAGGTATTGCAGAGGAAAATGTG[GA>G]TAGCAAGCCCATTGTTAGACTTTATGTCTCCAGCTCCACACAAGGTATGCAGGCCCTGGG-3'

ClinVar aggregate classification (germline): Pathogenic (1 of 4 stars; one submission).

Conditions:
Alkaptonuria (AKU). Also called: Alcaptonuria; Homogentisic acidura; Alkaptonuric ochronosis; HOMOGENTISIC ACID OXIDASE DEFICIENCY. Identifiers: Orphanet 56, MedGen C0002066, MONDO:0008753, OMIM 203500.

Submission:

Labcorp Genetics (formerly Invitae), Labcorp
Classification: Pathogenic for Alkaptonuria. Last evaluated: 2023-07-26. Review status: criteria provided, single submitter. Criteria: Invitae Variant Classification Sherloc (09022015). Collection method: clinical testing. Allele origin: germline.
Comment: For these reasons, this variant has been classified as Pathogenic. This variant has not been reported in the literature in individuals affected with HGD-related conditions. This variant is not present in population databases (gnomAD no frequency). This sequence change creates a premature translational stop signal (p.Ile133Thrfs*23) in the HGD gene. It is expected to result in an absent or disrupted protein product. Loss-of-function variants in HGD are known to be pathogenic (PMID: 12501223, 19862842).

Literature cited by the submitters: PubMed 12501223; PubMed 19862842.